The following is an entry in ClinVar:

ClinVar aggregate classification (germline): Uncertain significance (1 of 4 stars; one submission).

Conditions:
Dyskeratosis congenita, autosomal dominant 6 (DKCA6). Identifiers: Orphanet 3322, MedGen C4225284, MONDO:0014690, OMIM 616553.

Allele frequency attached by ClinVar (database versions not stated): gnomAD exomes below 0.00001; ExAC 0.00001; gnomAD 0.00001; TOPMed 0.00002.
gnomAD v4.1: 6 of 1,568,786 alleles (0.00038%); highest among the groups gnomAD compares: Middle Eastern, 0.017%; no homozygotes.

Submission:

Labcorp Genetics (formerly Invitae), Labcorp
Classification: Uncertain significance for Dyskeratosis congenita, autosomal dominant 6. Last evaluated: 2023-03-22. Review status: criteria provided, single submitter. Criteria: Invitae Variant Classification Sherloc (09022015). Collection method: clinical testing. Allele origin: germline.
Comment: In summary, the available evidence is currently insufficient to determine the role of this variant in disease. Therefore, it has been classified as a Variant of Uncertain Significance. ClinVar contains an entry for this variant (Variation ID: 1449599). This variant has not been reported in the literature in individuals affected with ACD-related conditions. This variant is present in population databases (rs761750721, gnomAD 0.001%). This sequence change creates a premature translational stop signal (p.Trp488*) in the ACD gene. It is expected to result in an absent or disrupted protein product. However, the current clinical and genetic evidence is not sufficient to establish whether loss-of-function variants in ACD cause disease.

NM_001082486.2(ACD):c.1205G>A (p.Trp402Ter)

Gene: ACD (ACD shelterin complex subunit and telomerase recruitment factor; minus strand). Cytogenetic location: 16q22.1.
Variant type: single nucleotide variant.
Coding change: c.1205G>A on transcript NM_001082486.2 (MANE Select); coding-DNA position 1205, G replaced by A.
Protein change: p.Trp402Ter; replaces tryptophan 402 with a stop codon.
Molecular consequence: nonsense.
Genome position (GRCh38, 1-based): chr16:67,657,987, C>T on the plus strand (G>A on the coding strand, the complement: ACD is on the minus strand). VCF-style: chr16-67657987-C-T. GRCh37 (hg19) VCF-style: chr16-67691890-C-T.
Other names: c.1196G>A, p.Trp399Ter (NM_022914.3); short protein forms W402*, W399*.
Identifiers: ClinVar variation 1449599 (VCV001449599.6), dbSNP rs761750721, ClinGen allele CA8114418.